The following is an entry in ClinVar:

NM_032119.4(ADGRV1):c.14782C>T (p.Pro4928Ser)

Gene: ADGRV1 (adhesion G protein-coupled receptor V1; plus strand). Cytogenetic location: 5q14.3.
Variant type: single nucleotide variant.
Coding change: c.14782C>T on transcript NM_032119.4 (MANE Select); coding-DNA position 14782, C replaced by T.
Protein change: p.Pro4928Ser; replaces proline 4928 with serine.
Molecular consequence: missense variant. On other transcripts: non-coding transcript variant (1).
Genome position (GRCh38, 1-based): chr5:90,805,404, C>T. VCF-style: chr5-90805404-C-T. GRCh37 (hg19) VCF-style: chr5-90101221-C-T.
Other names: short protein forms P4928S.
Identifiers: ClinVar variation 2011892 (VCV002011892.5), dbSNP rs1357083581, ClinGen allele CA360406324.

ClinVar aggregate classification (germline): Uncertain significance. Review status: criteria provided, multiple submitters, no conflicts (2 of 4 stars). 2 submissions from 2 submitters: Uncertain significance (2). Last evaluated 2022-06-28.

Allele frequency attached by ClinVar (database versions not stated): gnomAD exomes below 0.00001.
gnomAD v4.1: 2 of 1,605,136 alleles (0.00012%); highest among the groups gnomAD compares: Admixed American, 0.0017%; no homozygotes.

Submissions (2):

Labcorp Genetics (formerly Invitae), Labcorp
Classification: Uncertain significance. Last evaluated: 2022-06-28. Review status: criteria provided, single submitter. Criteria: Invitae Variant Classification Sherloc (09022015). Collection method: clinical testing. Allele origin: germline.
Comment: In summary, the available evidence is currently insufficient to determine the role of this variant in disease. Therefore, it has been classified as a Variant of Uncertain Significance. Algorithms developed to predict the effect of missense changes on protein structure and function output the following: SIFT: "Tolerated"; PolyPhen-2: "Possibly Damaging"; Align-GVGD: "Class C0". The serine amino acid residue is found in multiple mammalian species, which suggests that this missense change does not adversely affect protein function. This variant has not been reported in the literature in individuals affected with ADGRV1-related conditions. This variant is present in population databases (no rsID available, gnomAD 0.003%). This sequence change replaces proline, which is neutral and non-polar, with serine, which is neutral and polar, at codon 4928 of the ADGRV1 protein (p.Pro4928Ser).

Blueprint Genetics
Classification: Uncertain significance. Last evaluated: 2021-02-05. Review status: criteria provided, single submitter. Criteria: ACMG Guidelines, 2015. Collection method: clinical testing. Allele origin: germline.